The following is an entry in ClinVar:

ClinVar aggregate classification (germline): Uncertain significance (1 of 4 stars; one submission).

Conditions:
Peroxisome biogenesis disorder 12A (Zellweger). Also called: Peroxisome biogenesis disorder 12A. Identifiers: Orphanet 912, MedGen C3554002, MONDO:0013951, OMIM 614886.

Allele frequency attached by ClinVar (database versions not stated): TOPMed 0.00002; gnomAD 0.00004.
gnomAD v4.1: 28 of 1,613,898 alleles (0.0017%); highest among the groups gnomAD compares: African/African-American, 0.011%; no homozygotes.

Submission:

Labcorp Genetics (formerly Invitae), Labcorp
Classification: Uncertain significance for Peroxisome biogenesis disorder 12A (Zellweger). Last evaluated: 2022-10-28. Review status: criteria provided, single submitter. Criteria: Invitae Variant Classification Sherloc (09022015). Collection method: clinical testing. Allele origin: germline.
Comment: This sequence change replaces arginine, which is basic and polar, with tryptophan, which is neutral and slightly polar, at codon 207 of the PEX19 protein (p.Arg207Trp). This variant is present in population databases (rs367813991, gnomAD 0.0009%). This variant has not been reported in the literature in individuals affected with PEX19-related conditions. ClinVar contains an entry for this variant (Variation ID: 999099). Advanced modeling of protein sequence and biophysical properties (such as structural, functional, and spatial information, amino acid conservation, physicochemical variation, residue mobility, and thermodynamic stability) performed at Invitae indicates that this missense variant is expected to disrupt PEX19 protein function. In summary, the available evidence is currently insufficient to determine the role of this variant in disease. Therefore, it has been classified as a Variant of Uncertain Significance.

NM_002857.4(PEX19):c.619C>T (p.Arg207Trp)

Gene: PEX19 (peroxisomal biogenesis factor 19; minus strand). Cytogenetic location: 1q23.2.
Variant type: single nucleotide variant.
Coding change: c.619C>T on transcript NM_002857.4 (MANE Select); coding-DNA position 619, C replaced by T.
Protein change: p.Arg207Trp; replaces arginine 207 with tryptophan.
Molecular consequence: missense variant. On other transcripts: non-coding transcript variant (2).
Genome position (GRCh38, 1-based): chr1:160,280,222, G>A on the plus strand (C>T on the coding strand, the complement: PEX19 is on the minus strand). VCF-style: chr1-160280222-G-A. GRCh37 (hg19) VCF-style: chr1-160250012-G-A.
Other names: c.619C>T, p.Arg207Trp (NM_001193644.1); short protein forms R207W.
Identifiers: ClinVar variation 999099 (VCV000999099.4), dbSNP rs367813991, ClinGen allele CA1197292.